The following is an entry in ClinVar:

ClinVar aggregate classification (germline): Uncertain significance. Review status: criteria provided, multiple submitters, no conflicts (2 of 4 stars). 2 submissions from 2 submitters: Uncertain significance (2). Last evaluated 2025-11-13.

Conditions:
Inborn genetic diseases. Identifiers: MedGen C0950123, MeSH D030342.

Allele frequency attached by ClinVar (database versions not stated): gnomAD 0.00004.
gnomAD v4.1: 28 of 1,614,018 alleles (0.0017%); highest among the groups gnomAD compares: South Asian, 0.013%; no homozygotes.

Submissions (2):

Ambry Genetics
Classification: Uncertain significance for Inborn genetic diseases. Last evaluated: 2025-11-13. Review status: criteria provided, single submitter. Criteria: Ambry Variant Classification Scheme 2023. Collection method: clinical testing. Allele origin: germline.

Labcorp Genetics (formerly Invitae), Labcorp
Classification: Uncertain significance. Last evaluated: 2021-09-01. Review status: criteria provided, single submitter. Criteria: Invitae Variant Classification Sherloc (09022015). Collection method: clinical testing. Allele origin: germline.
Comment: This sequence change replaces serine with arginine at codon 845 of the COL27A1 protein (p.Ser845Arg). The serine residue is weakly conserved and there is a moderate physicochemical difference between serine and arginine. This variant is present in population databases (rs751042704, ExAC 0.01%). This variant has not been reported in the literature in individuals affected with COL27A1-related conditions. Advanced modeling of protein sequence and biophysical properties (such as structural, functional, and spatial information, amino acid conservation, physicochemical variation, residue mobility, and thermodynamic stability) performed at Invitae indicates that this missense variant is not expected to disrupt COL27A1 protein function. In summary, the available evidence is currently insufficient to determine the role of this variant in disease. Therefore, it has been classified as a Variant of Uncertain Significance.

NM_032888.4(COL27A1):c.2535C>A (p.Ser845Arg)

Gene: COL27A1 (collagen type XXVII alpha 1 chain; plus strand). Cytogenetic location: 9q32.
Variant type: single nucleotide variant.
Coding change: c.2535C>A on transcript NM_032888.4 (MANE Select); coding-DNA position 2535, C replaced by A.
Protein change: p.Ser845Arg; replaces serine 845 with arginine.
Molecular consequence: missense variant.
Genome position (GRCh38, 1-based): chr9:114,231,836, C>A. VCF-style: chr9-114231836-C-A. GRCh37 (hg19) VCF-style: chr9-116994116-C-A.
Other names: c.2535C>A (NM_032888.2); short protein forms S845R.
Identifiers: ClinVar variation 1515557 (VCV001515557.7), dbSNP rs751042704, ClinGen allele CA5201929.